The following is an entry in ClinVar:

ClinVar aggregate classification (germline): Conflicting classifications of pathogenicity. Review status: criteria provided, conflicting classifications (1 of 4 stars). 11 submissions from 11 submitters: Uncertain significance (4); Likely benign (5). 2 of the submissions do not count toward it. Last evaluated 2026-01-18.

Conditions:
BRCA2-related disorder. Also called: BRCA2-related condition; BRCA2-related disorders. Identifiers: MedGen CN239275.
Hereditary cancer-predisposing syndrome. Also called: Hereditary Cancer Syndrome; Tumor predisposition; Neoplastic Syndromes, Hereditary; Hereditary neoplastic syndrome. Identifiers: Orphanet 140162, MedGen C0027672, MeSH D009386, MONDO:0015356.
Hereditary breast ovarian cancer syndrome. Also called: Hereditary breast and ovarian cancer syndrome; Hereditary breast and/or ovarian cancer syndrome; Hereditary breast and ovarian cancer; Hereditary breast and ovarian cancer syndrome (HBOC); Breast and ovarian cancer; BRCA1- and BRCA2-Associated Hereditary Breast and Ovarian Cancer. Identifiers: Orphanet 145, MedGen C0677776, MeSH D061325, MONDO:0003582. Disease mechanism: loss of function.
Breast-ovarian cancer, familial, susceptibility to, 2 (BROVCA2). Also called: BRCA2 Hereditary Breast and Ovarian Cancer. Identifiers: Orphanet 145, MedGen C2675520, MONDO:0012933, OMIM 612555. Disease mechanism: loss of function.

Allele frequency attached by ClinVar (database versions not stated): gnomAD 0.00001; TOPMed 0.00002.
gnomAD v4.1: 1 of 1,613,724 alleles (0.000062%); highest among the groups gnomAD compares: African/African-American, 0.0013%; no homozygotes.

Submissions (11):

Labcorp Genetics (formerly Invitae), Labcorp
Classification: Likely benign for Hereditary breast ovarian cancer syndrome. Last evaluated: 2026-01-18. Review status: criteria provided, single submitter. Criteria: Invitae Variant Classification Sherloc (09022015). Collection method: clinical testing. Allele origin: germline.

PreventionGenetics, part of Exact Sciences
Classification: Likely benign for BRCA2-related condition. Last evaluated: 2025-09-24. Review status: criteria provided, single submitter. Criteria: ACMG Guidelines, 2015. Collection method: clinical testing. Allele origin: germline.
Comment: This variant is classified as likely benign based on ACMG/AMP sequence variant interpretation guidelines (Richards et al. 2015 PMID: 25741868, with internal and published modifications).

Women's Health and Genetics/Laboratory Corporation of America, LabCorp
Classification: Likely benign. Last evaluated: 2024-12-17. Review status: criteria provided, single submitter. Criteria: LabCorp Variant Classification Summary - May 2015. Collection method: clinical testing. Allele origin: germline.
Comment: Variant summary: BRCA2 c.2332G>A (p.Val778Ile) results in a conservative amino acid change in the encoded protein sequence. Five of five in-silico tools predict a benign effect of the variant on protein function. The variant was absent in 250960 control chromosomes. The available data on variant occurrences in the general population are insufficient to allow any conclusion about variant significance. To our knowledge, no occurrence of c.2332G>A in individuals affected with Hereditary Breast And Ovarian Cancer Syndrome and no experimental evidence demonstrating its impact on protein function have been reported. However, one study that examined the impact of data sharing and reassessment to resolve interpretation differences among a set of participating laboratories settled on a consensus classification for this variant as likely benign (Harrison_2017). The following publication have been ascertained in the context of this evaluation (PMID: 28301460). ClinVar contains an entry for this variant (Variation ID: 89044). Based on the evidence outlined above, the variant was classified as likely benign.

All of Us Research Program, National Institutes of Health
Classification: Uncertain significance for Breast-ovarian cancer, familial, susceptibility to, 2. Last evaluated: 2024-01-11. Review status: criteria provided, single submitter. Criteria: ACMG Guidelines, 2015. Collection method: clinical testing. Allele origin: germline. Inheritance: Autosomal dominant inheritance. Observed: 2 variant alleles, 2 heterozygotes.
Comment: This missense variant replaces valine with isoleucine at codon 778 of the BRCA2 protein. Computational prediction suggests that this variant may not impact protein structure and function (internally defined REVEL score threshold <= 0.5, PMID: 27666373). To our knowledge, functional studies have not been reported for this variant. This variant has not been reported in individuals affected with BRCA2-related disorders in the literature. This variant has not been identified in the general population by the Genome Aggregation Database (gnomAD). The available evidence is insufficient to determine the role of this variant in disease conclusively. Therefore, this variant is classified as a Variant of Uncertain Significance.

This study involves interpretation of variants in research participants for the purpose of population health screening. Participant phenotype was not available at the time of variant classification. Additional details can be found in publication PMID: 35346344, PMCID: PMC8962531

Color Diagnostics, LLC DBA Color Health
Classification: Uncertain significance for Hereditary cancer-predisposing syndrome. Last evaluated: 2023-11-27. Review status: criteria provided, single submitter. Criteria: ACMG Guidelines, 2015. Collection method: clinical testing. Allele origin: germline.
Comment: This missense variant replaces valine with isoleucine at codon 778 of the BRCA2 protein. Computational prediction suggests that this variant may not impact protein structure and function (internally defined REVEL score threshold <= 0.5, PMID: 27666373). To our knowledge, functional studies have not been reported for this variant. This variant has not been reported in individuals affected with BRCA2-related disorders in the literature. This variant has not been identified in the general population by the Genome Aggregation Database (gnomAD). The available evidence is insufficient to determine the role of this variant in disease conclusively. Therefore, this variant is classified as a Variant of Uncertain Significance.

University of Washington Department of Laboratory Medicine, University of Washington
Classification: Likely benign for Hereditary cancer-predisposing syndrome. Last evaluated: 2023-03-23. Review status: criteria provided, single submitter. Criteria: Dines et al. (Genet Med. 2020). Collection method: curation. Allele origin: germline.
Comment: Missense variant in a coldspot region where missense variants are very unlikely to be pathogenic (PMID:31911673).

BRCA2 exon 11 coldspot. Reclassification based on statistical prior probability.

Sema4
Classification: Uncertain significance for Hereditary cancer-predisposing syndrome. Last evaluated: 2022-03-02. Review status: criteria provided, single submitter. Criteria: Sema4 Curation Guidelines. Collection method: curation. Allele origin: germline.
Comment: To the best of our knowledge, the BRCA2 c.2332G>A (p.V778I) variant has not been reported in individuals with BRCA2-related disease. It was not observed in the large and broad cohorts of the Genome Aggregation Database (PMID: 32461654). This variant has been reported in ClinVar (Variation ID 89044). Functional studies have not been performed, and in silico predictions of the variant's effect on protein function are inconclusive. The overall evidence is inconsistent with ACMG/AMP requirements for a classification of benign or pathogenic. In summary, the clinical significance of this variant is currently uncertain.

Ambry Genetics
Classification: Likely benign for Hereditary cancer-predisposing syndrome. Last evaluated: 2018-06-20. Review status: criteria provided, single submitter. Criteria: Ambry Variant Classification Scheme 2023. Collection method: clinical testing. Allele origin: germline.

Quest Diagnostics Nichols Institute San Juan Capistrano
Classification: Uncertain significance for Breast-ovarian cancer, familial, susceptibility to, 2. Last evaluated: 2016-06-08. Review status: criteria provided, single submitter. Criteria: Quest Diagnostics criteria. Collection method: clinical testing. Allele origin: germline. Inheritance: Autosomal dominant inheritance.

Counsyl
Classification: Uncertain significance for Breast-ovarian cancer, familial, susceptibility to, 2. Last evaluated: 2017-05-12. Review status: no assertion criteria provided. Collection method: clinical testing. Allele origin: unknown. Not counted in ClinVar's aggregate classification.

Sharing Clinical Reports Project (SCRP)
Classification: Uncertain significance for Breast-ovarian cancer, familial 2. Last evaluated: 2011-11-16. Review status: no assertion criteria provided. Collection method: clinical testing. Allele origin: germline. Not counted in ClinVar's aggregate classification.

Literature cited by the submitters: PubMed 28301460 (cited by Women's Health and Genetics/Laboratory Corporation of America, LabCorp); PubMed 26295337 (cited by Quest Diagnostics Nichols Institute San Juan Capistrano).

NM_000059.4(BRCA2):c.2332G>A (p.Val778Ile)

Gene: BRCA2 (BRCA2 DNA repair associated; plus strand). Cytogenetic location: 13q13.1.
Variant type: single nucleotide variant.
Coding change: c.2332G>A on transcript NM_000059.4 (MANE Select); coding-DNA position 2332, G replaced by A.
Protein change: p.Val778Ile; replaces valine 778 with isoleucine.
Molecular consequence: missense variant.
Genome position (GRCh38, 1-based): chr13:32,336,687, G>A. VCF-style: chr13-32336687-G-A. GRCh37 (hg19) VCF-style: chr13-32910824-G-A.
Other names: 2560G>A; short protein forms V778I.
Identifiers: ClinVar variation 89044 (VCV000089044.30), dbSNP rs587779360, ClinGen allele CA014983.